The following is an entry in ClinVar:

ClinVar aggregate classification (germline): Conflicting classifications of pathogenicity. Review status: criteria provided, conflicting classifications (1 of 4 stars). 2 submissions from 2 submitters: Uncertain significance (1); Likely benign (1). Last evaluated 2022-12-23.

Conditions:
Hereditary cancer-predisposing syndrome. Also called: Tumor predisposition; Neoplastic Syndromes, Hereditary; Hereditary neoplastic syndrome; Hereditary Cancer Syndrome. Identifiers: Orphanet 140162, MedGen C0027672, MeSH D009386, MONDO:0015356.
Haddad syndrome (OHD). Also called: Ondine-Hirschsprung disease. Identifiers: MedGen C1859049, MONDO:0020493, Orphanet 99803.

Submissions (2):

Labcorp Genetics (formerly Invitae), Labcorp
Classification: Uncertain significance for Haddad syndrome. Last evaluated: 2022-12-23. Review status: criteria provided, single submitter. Criteria: Invitae Variant Classification Sherloc (09022015). Collection method: clinical testing. Allele origin: germline.
Comment: This variant, c.648_650del, results in the deletion of 1 amino acid(s) of the PHOX2B protein (p.Gly217del), but otherwise preserves the integrity of the reading frame. The frequency data for this variant in the population databases is considered unreliable, as metrics indicate poor data quality at this position in the gnomAD database. In summary, the available evidence is currently insufficient to determine the role of this variant in disease. Therefore, it has been classified as a Variant of Uncertain Significance. Experimental studies and prediction algorithms are not available or were not evaluated, and the functional significance of this variant is currently unknown. ClinVar contains an entry for this variant (Variation ID: 1516514). This variant has not been reported in the literature in individuals affected with PHOX2B-related conditions.

Ambry Genetics
Classification: Likely benign for Hereditary cancer-predisposing syndrome. Last evaluated: 2020-08-27. Review status: criteria provided, single submitter. Criteria: Ambry Variant Classification Scheme 2023. Collection method: clinical testing. Allele origin: germline.

NM_003924.4(PHOX2B):c.639CGG[3] (p.Gly217del)

Gene: PHOX2B (paired like homeobox 2B; minus strand). Cytogenetic location: 4p13.
Variant type: Microsatellite.
Coding change: c.639CGG[3] on transcript NM_003924.4 (MANE Select); three copies in a row of the 3-base unit CGG starting at c.639; the reference has four copies in a row; one copy, 3 bases deleted.
Protein change: p.Gly217del; deletes glycine 217.
Molecular consequence: inframe deletion.
Genome position (GRCh38, 1-based): chr4:41,746,102-41,746,104, CCG deleted on the plus strand (CGG on the coding strand, the reverse complement: PHOX2B is on the minus strand); deleting any 3 consecutive bases within chr4:41,746,102-41,746,115 gives the same sequence; the position shown is the placement nearest the transcript's 3' end. VCF-style (leftmost placement, unchanged base first): chr4-41746101-CCCG-C. GRCh37 (hg19) VCF-style: chr4-41748118-CCCG-C.
Other names: short protein forms G217del.
Identifiers: ClinVar variation 1516514 (VCV001516514.10), dbSNP rs760638643, ClinGen allele CA2901463.